The following is an entry in ClinVar:

NM_032237.5(POMK):c.883C>T (p.His295Tyr)

Gene: POMK (protein O-mannose kinase; plus strand). Cytogenetic location: 8p11.21.
Variant type: single nucleotide variant.
Coding change: c.883C>T on transcript NM_032237.5 (MANE Select); coding-DNA position 883, C replaced by T.
Protein change: p.His295Tyr; replaces histidine 295 with tyrosine.
Molecular consequence: missense variant.
Genome position (GRCh38, 1-based): chr8:43,122,707, C>T. VCF-style: chr8-43122707-C-T. GRCh37 (hg19) VCF-style: chr8-42977850-C-T.
Other names: c.883C>T, p.His295Tyr (NM_001277971.2); short protein forms H295Y.
Identifiers: ClinVar variation 541239 (VCV000541239.7), dbSNP rs1554524387, ClinGen allele CA371122884.
Genomic context (GRCh38, chr8:43,122,707, plus strand): 5'-TCATATGATGAGAAGATTGACATTTGGAAGATCCCAGACATCTCCAGTTTCCTTCTGGGG[C>T]ACATTGAAGGGAGTGATATGGTCCGATTCCATTTGTTTGATATTCACAAAGCATGCAAGA-3'
Protein context (NP_115613.1, residues 285-305): IPDISSFLLG[His295Tyr]IEGSDMVRFH

ClinVar aggregate classification (germline): Uncertain significance (1 of 4 stars; one submission).

Conditions:
Muscular dystrophy-dystroglycanopathy (congenital with brain and eye anomalies), type a, 12 (MDDGA12). Also called: WALKER-WARBURG SYNDROME OR MUSCLE-EYE-BRAIN DISEASE, POMK-RELATED. Identifiers: Orphanet 899, MedGen C3808964, MONDO:0014101, OMIM 615249.
Limb-girdle muscular dystrophy due to POMK deficiency. Also called: Muscular dystrophy-dystroglycanopathy (limb-girdle), type c, 12; MUSCULAR DYSTROPHY-DYSTROGLYCANOPATHY, LIMB-GIRDLE, POMK-RELATED. Identifiers: Orphanet 445110, MedGen C4015184, MONDO:0014489, OMIM 616094.

Submission:

Labcorp Genetics (formerly Invitae), Labcorp
Classification: Uncertain significance for Muscular dystrophy-dystroglycanopathy (congenital with brain and eye anomalies), type a, 12; Limb-girdle muscular dystrophy due to POMK deficiency. Last evaluated: 2020-02-17. Review status: criteria provided, single submitter. Criteria: Invitae Variant Classification Sherloc (09022015). Collection method: clinical testing. Allele origin: germline.
Comment: This variant has not been reported in the literature in individuals with POMK-related disease. This sequence change replaces histidine with tyrosine at codon 295 of the POMK protein (p.His295Tyr). The histidine residue is highly conserved and there is a moderate physicochemical difference between histidine and tyrosine. This variant is not present in population databases (ExAC no frequency). Algorithms developed to predict the effect of missense changes on protein structure and function (SIFT, PolyPhen-2, Align-GVGD) all suggest that this variant is likely to be tolerated, but these predictions have not been confirmed by published functional studies and their clinical significance is uncertain. Algorithms developed to predict the effect of sequence changes on RNA splicing suggest that this variant may create or strengthen a splice site, but this prediction has not been confirmed by published transcriptional studies. In summary, the available evidence is currently insufficient to determine the role of this variant in disease. Therefore, it has been classified as a Variant of Uncertain Significance.